The following is an entry in ClinVar:

ClinVar aggregate classification (germline): Pathogenic/Likely pathogenic. Review status: criteria provided, multiple submitters, no conflicts (2 of 4 stars). 2 submissions from 2 submitters: Pathogenic (1); Likely pathogenic (1). Last evaluated 2026-08-25.

Conditions:
Primary ciliary dyskinesia. Also called: Ciliary dyskinesia. Identifiers: Orphanet 244, MedGen C0008780, MONDO:0016575, HP:0012265.

Allele frequency attached by ClinVar (database versions not stated): gnomAD exomes below 0.00001 and 0.00001; gnomAD 0.00001 and 0.00002.
gnomAD v4.1: 13 of 1,612,796 alleles (0.00081%); highest among the groups gnomAD compares: South Asian, 0.0022%; no homozygotes.

Submissions (2):

GeneDx
Classification: Likely pathogenic. Last evaluated: 2026-08-25. Review status: criteria provided, single submitter. Criteria: GeneDx Variant Classification Process June 2021. Collection method: clinical testing. Allele origin: germline.
Comment: Nonsense variant predicted to result in protein truncation or nonsense mediated decay in a gene for which loss of function is a known mechanism of disease; Has not been previously published as pathogenic or benign to our knowledge

Labcorp Genetics (formerly Invitae), Labcorp
Classification: Pathogenic for Primary ciliary dyskinesia. Last evaluated: 2025-09-15. Review status: criteria provided, single submitter. Criteria: Invitae Variant Classification Sherloc (09022015). Collection method: clinical testing. Allele origin: germline.
Comment: This sequence change creates a premature translational stop signal (p.Arg3845*) in the DNAH11 gene. It is expected to result in an absent or disrupted protein product. Loss-of-function variants in DNAH11 are known to be pathogenic (PMID: 18022865, 20513915, 22184204). This variant is present in population databases (no rsID available, gnomAD 0.003%). This variant has not been reported in the literature in individuals affected with DNAH11-related conditions. ClinVar contains an entry for this variant (Variation ID: 620303). For these reasons, this variant has been classified as Pathogenic.

Literature cited by the submitters: PubMed 18022865 (cited by Labcorp Genetics (formerly Invitae), Labcorp); PubMed 20513915 (cited by Labcorp Genetics (formerly Invitae), Labcorp); PubMed 22184204 (cited by Labcorp Genetics (formerly Invitae), Labcorp).

NM_001277115.2(DNAH11):c.11533C>T (p.Arg3845Ter)

Gene: DNAH11 (dynein axonemal heavy chain 11; plus strand). Cytogenetic location: 7p15.3.
Variant type: single nucleotide variant.
Coding change: c.11533C>T on transcript NM_001277115.2 (MANE Select); coding-DNA position 11533, C replaced by T.
Protein change: p.Arg3845Ter; replaces arginine 3845 with a stop codon.
Molecular consequence: nonsense.
Genome position (GRCh38, 1-based): chr7:21,866,506, C>T. VCF-style: chr7-21866506-C-T. GRCh37 (hg19) VCF-style: chr7-21906124-C-T.
Other names: short protein forms R3845*.
Identifiers: ClinVar variation 620303 (VCV000620303.10), dbSNP rs1309805676, ClinGen allele CA366961900.